The following is an entry in ClinVar:

NM_001673.5(ASNS):c.1614G>A (p.Met538Ile)

Genes: ASNS (asparagine synthetase (glutamine-hydrolyzing); minus strand), CZ1P-ASNS (CZ1P-ASNS readthrough; minus strand). Cytogenetic location: 7q21.3.
Variant type: single nucleotide variant.
Coding change: c.1614G>A on transcript NM_001673.5 (MANE Select); coding-DNA position 1614, G replaced by A.
Protein change: p.Met538Ile; replaces methionine 538 with isoleucine.
Molecular consequence: missense variant. On other transcripts: non-coding transcript variant (1).
Genome position (GRCh38, 1-based): chr7:97,852,331, C>T on the plus strand (G>A on the coding strand, the complement: ASNS is on the minus strand). VCF-style: chr7-97852331-C-T. GRCh37 (hg19) VCF-style: chr7-97481643-C-T.
Other names: c.1614G>A, p.Met538Ile (NM_133436.3, NM_001352496.2, NM_183356.4); c.1551G>A, p.Met517Ile (NM_001178075.2); c.1365G>A, p.Met455Ile (NM_001178076.2, NM_001178077.1); short protein forms M538I, M455I, M517I.
Identifiers: ClinVar variation 424314 (VCV000424314.11), dbSNP rs767700335, ClinGen allele CA4354465.

ClinVar aggregate classification (germline): Conflicting classifications of pathogenicity. Review status: criteria provided, conflicting classifications (1 of 4 stars). 3 submissions from 3 submitters: Likely pathogenic (1); Uncertain significance (2). Last evaluated 2025-06-27.

Conditions:
Inborn genetic diseases. Identifiers: MedGen C0950123, MeSH D030342.

Allele frequency attached by ClinVar (database versions not stated): ExAC 0.00001; gnomAD 0.00001; gnomAD exomes 0.00001.
gnomAD v4.1: 8 of 1,614,036 alleles (0.0005%); highest among the groups gnomAD compares: Non-Finnish European, 0.00042%; no homozygotes.

Submissions (3):

Labcorp Genetics (formerly Invitae), Labcorp
Classification: Uncertain significance. Last evaluated: 2025-06-27. Review status: criteria provided, single submitter. Criteria: Invitae Variant Classification Sherloc (09022015). Collection method: clinical testing. Allele origin: germline.
Comment: This sequence change replaces methionine, which is neutral and non-polar, with isoleucine, which is neutral and non-polar, at codon 538 of the ASNS protein (p.Met538Ile). This variant is present in population databases (rs767700335, gnomAD 0.009%). This missense change has been observed in individual(s) with clinical features of ASNS-related conditions (internal data). ClinVar contains an entry for this variant (Variation ID: 424314). Invitae Evidence Modeling of protein sequence and biophysical properties (such as structural, functional, and spatial information, amino acid conservation, physicochemical variation, residue mobility, and thermodynamic stability) indicates that this missense variant is expected to disrupt ASNS protein function with a positive predictive value of 95%. In summary, the available evidence is currently insufficient to determine the role of this variant in disease. Therefore, it has been classified as a Variant of Uncertain Significance.

Ambry Genetics
Classification: Uncertain significance for Inborn genetic diseases. Last evaluated: 2020-06-03. Review status: criteria provided, single submitter. Criteria: Ambry Variant Classification Scheme 2023. Collection method: clinical testing. Allele origin: germline.
Comment: The alteration results in an amino acid change:_x000D_ _x000D_ The c.1614G>A (p.M538I) alteration is located in exon 14 (coding exon 11) of the ASNS gene. This alteration results from a G to A substitution at nucleotide position 1614, causing the methionine (M) at amino acid position 538 to be replaced by an isoleucine (I). The alteration is rare in population databases:_x000D_ _x000D_ Based on data from the Genome Aggregation Database (gnomAD) database, the ASNS c.1614G>A alteration was observed in 0.0007% (2/251422) of total alleles studied. The altered amino acid is conserved throughout evolution:_x000D_ _x000D_ The p.M538 amino acid is conserved in available vertebrate species. The alteration is predicted tolerated by in silico modeling:_x000D_ _x000D_ The p.M538I alteration is predicted to be tolerated by in silico analysis. Based on insufficient or conflicting evidence, the clinical significance of this alteration remains unclear.

GeneDx
Classification: Likely pathogenic. Last evaluated: 2017-03-16. Review status: criteria provided, single submitter. Criteria: GeneDx Variant Classification (06012015). Collection method: clinical testing. Allele origin: germline. Affected: yes.
Comment: The M538I variant in the ASNS gene has not been reported previously as a pathogenic variant, nor as a benign variant, to our knowledge. The M538I variant is not observed at a significant frequency in large population cohorts (Lek et al., 2016; 1000 Genomes Consortium et al., 2015; Exome Variant Server). The M538I variant is a conservative amino acid substitution, which is not likely to impact secondary protein structure as these residues share similar properties. This substitution occurs at a position that is not conserved. However, in silico analysis predicts this variant is probably damaging to the protein structure/function. The M538I variant is a strong candidate for a pathogenic variant, however the possibility it may be a rare benign variant cannot be excluded.